The following is an entry in ClinVar:

ClinVar aggregate classification (germline): Conflicting classifications of pathogenicity. Review status: criteria provided, conflicting classifications (1 of 4 stars). 2 submissions from 2 submitters: Uncertain significance (1); Benign (1). Last evaluated 2024-01-21.

Conditions:
Primary ciliary dyskinesia. Also called: Ciliary dyskinesia. Identifiers: Orphanet 244, MedGen C0008780, MONDO:0016575, HP:0012265.

Allele frequency attached by ClinVar (database versions not stated): TOPMed 0.00002; gnomAD 0.00003.
gnomAD v4.1: 37 of 1,549,816 alleles (0.0024%); highest among the groups gnomAD compares: Non-Finnish European, 0.0029%; no homozygotes.

Submissions (2):

Labcorp Genetics (formerly Invitae), Labcorp
Classification: Benign for Primary ciliary dyskinesia. Last evaluated: 2024-01-21. Review status: criteria provided, single submitter. Criteria: Invitae Variant Classification Sherloc (09022015). Collection method: clinical testing. Allele origin: germline.

Laboratory for Molecular Medicine, Mass General Brigham Personalized Medicine
Classification: Uncertain significance. Last evaluated: 2016-07-28. Review status: criteria provided, single submitter. Criteria: LMM Criteria. Collection method: clinical testing. Allele origin: germline. Observed: 1 variant allele.
Comment: The p.Ser23Leu variant in DNAH11 has not been previously reported in individuals with pulmonary disease and data from large population studies is insufficient t o assess the frequency of this variant. Computational prediction tools and conse rvation analysis are limited or unavailable for this variant. In summary, the cl inical significance of the p.Ser23Leu variant is uncertain.

NM_001277115.2(DNAH11):c.68C>T (p.Ser23Leu)

Gene: DNAH11 (dynein axonemal heavy chain 11; plus strand). Cytogenetic location: 7p15.3.
Variant type: single nucleotide variant.
Coding change: c.68C>T on transcript NM_001277115.2 (MANE Select); coding-DNA position 68, C replaced by T.
Protein change: p.Ser23Leu; replaces serine 23 with leucine.
Molecular consequence: missense variant.
Genome position (GRCh38, 1-based): chr7:21,543,313, C>T. VCF-style: chr7-21543313-C-T. GRCh37 (hg19) VCF-style: chr7-21582931-C-T.
Other names: short protein forms S23L.
Identifiers: ClinVar variation 505254 (VCV000505254.7), dbSNP rs745842220, ClinGen allele CA155057668.